The following is an entry in ClinVar:

ClinVar aggregate classification (germline): Uncertain significance (1 of 4 stars; one submission).

Conditions:
Anauxetic dysplasia. Identifiers: Orphanet 93347, MedGen C1846796, MONDO:0011773.

gnomAD v4.1: 15 of 700,316 alleles (0.0021%); highest among the groups gnomAD compares: African/African-American, 0.007%; no homozygotes.

Submission:

Labcorp Genetics (formerly Invitae), Labcorp
Classification: Uncertain significance for Anauxetic dysplasia. Last evaluated: 2025-01-11. Review status: criteria provided, single submitter. Criteria: Invitae Variant Classification Sherloc (09022015). Collection method: clinical testing. Allele origin: germline.
Comment: This variant occurs in the RMRP gene, which encodes an RNA molecule that does not result in a protein product. This variant is present in population databases (no rsID available, gnomAD 0.01%). This variant has not been reported in the literature in individuals affected with RMRP-related conditions. ClinVar contains an entry for this variant (Variation ID: 2081626). In summary, the available evidence is currently insufficient to determine the role of this variant in disease. Therefore, it has been classified as a Variant of Uncertain Significance.

NC_000009.12:g.35657982A>C

Gene: RMRP (RNA component of mitochondrial RNA processing endoribonuclease; minus strand). Cytogenetic location: 9p13.3.
Variant type: single nucleotide variant.
Genome position: GRCh38 VCF-style: chr9-35657982-A-C. GRCh37 (hg19) VCF-style: chr9-35657979-A-C.
Identifiers: ClinVar variation 2081626 (VCV002081626.2), dbSNP rs961529478, ClinGen allele CA192745695.
Genomic context (GRCh38, chr9:35,657,982, plus strand): 5'-ACTCTCTGCCCGAGGTCCGGGGACTTTCCCCTAGGCGGAAAGGGGAGGAACAGAGTCCTC[A>C]GTGTGTAGCCTAGGATACAGGCCTTCAGCACGAACCACGTCCTCAGCTTCACAGAGTAGT-3'